The following is an entry in ClinVar:

NM_018116.4(MSTO1):c.16C>T (p.Arg6Trp)

Gene: MSTO1 (misato mitochondrial distribution and morphology regulator 1; plus strand). Cytogenetic location: 1q22.
Variant type: single nucleotide variant.
Coding change: c.16C>T on transcript NM_018116.4 (MANE Select); coding-DNA position 16, C replaced by T.
Protein change: p.Arg6Trp; replaces arginine 6 with tryptophan.
Molecular consequence: missense variant. On other transcripts: 5 prime UTR variant (14), non-coding transcript variant (6).
Genome position (GRCh38, 1-based): chr1:155,610,264, C>T. VCF-style: chr1-155610264-C-T. GRCh37 (hg19) VCF-style: chr1-155580055-C-T.
Other names: c.16C>T, p.Arg6Trp (NM_001256532.1, NM_001256533.1, NM_001350772.1 and 3 more transcripts); c.-272C>T (NM_001350776.1); c.-541C>T (NM_001350777.1); c.-605C>T (NM_001350778.1); c.-546C>T (NM_001350779.1); c.-657C>T (NM_001350780.1); c.-1058C>T (NM_001350781.1); c.-583C>T (NM_001350782.1, NM_001350783.1, NM_001350786.1 and 1 more transcripts); and 4 more; short protein forms R6W.
Identifiers: ClinVar variation 5002862 (VCV005002862.1).

ClinVar aggregate classification (germline): Uncertain significance (1 of 4 stars; one submission).

Conditions:
Mitochondrial myopathy-cerebellar ataxia-pigmentary retinopathy syndrome. Also called: MYOPATHY, MITOCHONDRIAL, AND ATAXIA. Identifiers: Orphanet 502423, MedGen C4540096, MONDO:0044714, OMIM 617675.

gnomAD v4.1: 3 of 782,896 alleles (0.00038%); highest among the groups gnomAD compares: Admixed American, 0.0051%; no homozygotes.

Submission:

OLLIN Analises Genomicas, OLLIN
Classification: Uncertain significance for Mitochondrial myopathy-cerebellar ataxia-pigmentary retinopathy syndrome. Last evaluated: 2026-08-06. Review status: criteria provided, single submitter. Criteria: ACMG Guidelines 2015 PMID 25741868. Collection method: clinical testing. Allele origin: germline. Inheritance: Autosomal dominant inheritance.
Comment: This missense variant, located in exon 1 (of 14), has been observed in gnomAD with an allele frequency of 0.00038%, but has not been reported in ClinVar or identified in the literature. In silico analysis predicts that this variant has a deleterious effect. According to the currently available evidence, this variant has been classified as uncertain significance (PM2_P, PP3).